The following is an entry in ClinVar:

ClinVar aggregate classification (germline): Uncertain significance. Review status: criteria provided, multiple submitters, no conflicts (2 of 4 stars). 2 submissions from 2 submitters: Uncertain significance (2). Last evaluated 2022-07-09.

Conditions:
Muscular dystrophy-dystroglycanopathy (congenital with brain and eye anomalies), type A9. Also called: WALKER-WARBURG SYNDROME OR MUSCLE-EYE BRAIN DISEASE, DAG1-RELATED; Muscular dystrophy-dystroglycanopathy (congenital with brain and eye anomalies), type a, 9. Identifiers: Orphanet 370997, Orphanet 899, MedGen C4225291, MONDO:0014683, OMIM 616538.
Autosomal recessive limb-girdle muscular dystrophy type 2P. Also called: MUSCULAR DYSTROPHY-DYSTROGLYCANOPATHY, LIMB-GIRDLE, DAG1-RELATED; Limb-Girdle Muscular Dystrophy Type 9C; MUSCULAR DYSTROPHY, LIMB-GIRDLE, TYPE 2P. Identifiers: Orphanet 280333, MedGen C4511963, MONDO:0013440, OMIM 613818.

Allele frequency attached by ClinVar (database versions not stated): ExAC 0.00001; gnomAD 0.00001; gnomAD exomes 0.00001.
gnomAD v4.1: 20 of 1,610,604 alleles (0.0012%); highest among the groups gnomAD compares: Non-Finnish European, 0.0017%; no homozygotes.

Submissions (2):

Labcorp Genetics (formerly Invitae), Labcorp
Classification: Uncertain significance for Autosomal recessive limb-girdle muscular dystrophy type 2P; Muscular dystrophy-dystroglycanopathy (congenital with brain and eye anomalies), type A9. Last evaluated: 2022-07-09. Review status: criteria provided, single submitter. Criteria: Invitae Variant Classification Sherloc (09022015). Collection method: clinical testing. Allele origin: germline.
Comment: This sequence change replaces valine, which is neutral and non-polar, with methionine, which is neutral and non-polar, at codon 339 of the DAG1 protein (p.Val339Met). This variant is present in population databases (rs763537489, gnomAD 0.003%). This variant has not been reported in the literature in individuals affected with DAG1-related conditions. ClinVar contains an entry for this variant (Variation ID: 804733). Algorithms developed to predict the effect of missense changes on protein structure and function are either unavailable or do not agree on the potential impact of this missense change (SIFT: "Deleterious"; PolyPhen-2: "Probably Damaging"; Align-GVGD: "Class C0"). In summary, the available evidence is currently insufficient to determine the role of this variant in disease. Therefore, it has been classified as a Variant of Uncertain Significance.

Athena Diagnostics
Classification: Uncertain significance. Last evaluated: 2018-12-29. Review status: criteria provided, single submitter. Criteria: Athena Diagnostics Criteria. Collection method: clinical testing. Allele origin: germline.

NM_004393.6(DAG1):c.1015G>A (p.Val339Met)

Gene: DAG1 (dystroglycan 1; plus strand). Cytogenetic location: 3p21.31.
Variant type: single nucleotide variant.
Coding change: c.1015G>A on transcript NM_004393.6 (MANE Select); coding-DNA position 1015, G replaced by A.
Protein change: p.Val339Met; replaces valine 339 with methionine.
Molecular consequence: missense variant.
Genome position (GRCh38, 1-based): chr3:49,531,526, G>A. VCF-style: chr3-49531526-G-A. GRCh37 (hg19) VCF-style: chr3-49568959-G-A.
Other names: c.1015G>A, p.Val339Met (NM_001165928.4, NM_001177634.3, NM_001177635.3 and 9 more transcripts); short protein forms V339M.
Identifiers: ClinVar variation 804733 (VCV000804733.5), dbSNP rs763537489, ClinGen allele CA2398998.